The following is an entry in ClinVar:

ClinVar aggregate classification (germline): Uncertain significance (1 of 4 stars; one submission).

gnomAD v4.1: 1 of 1,614,040 alleles (0.000062%); highest among the groups gnomAD compares: Non-Finnish European, 0.000085%; no homozygotes.

Submission:

Ambry Genetics
Classification: Uncertain significance. Last evaluated: 2025-03-15. Review status: criteria provided, single submitter. Criteria: Ambry Variant Classification Scheme 2023. Collection method: clinical testing. Allele origin: germline.
Comment: The p.V673L variant (also known as c.2017G>T), located in coding exon 1 of the TET2 gene, results from a G to T substitution at nucleotide position 2017. The valine at codon 673 is replaced by leucine, an amino acid with highly similar properties. This amino acid position is conserved. In addition, this alteration is predicted to be tolerated by in silico analysis. Based on the available evidence, the clinical significance of this variant remains unclear.

NM_001127208.3(TET2):c.2017G>T (p.Val673Leu)

Genes: TET2 (tet methylcytosine dioxygenase 2; plus strand), TET2-AS1 (TET2 antisense RNA 1; minus strand). Cytogenetic location: 4q24.
Variant type: single nucleotide variant.
Coding change: c.2017G>T on transcript NM_001127208.3 (MANE Select); coding-DNA position 2017, G replaced by T.
Protein change: p.Val673Leu; replaces valine 673 with leucine.
Molecular consequence: missense variant.
Genome position (GRCh38, 1-based): chr4:105,235,959, G>T. VCF-style: chr4-105235959-G-T. GRCh37 (hg19) VCF-style: chr4-106157116-G-T.
Other names: c.2017G>T, p.Val673Leu (NM_017628.4); short protein forms V673L.
Identifiers: ClinVar variation 3967467 (VCV003967467.1).